The following is an entry in ClinVar:

ClinVar aggregate classification (germline): Pathogenic (1 of 4 stars; one submission).

Submission:

Labcorp Genetics (formerly Invitae), Labcorp
Classification: Pathogenic. Last evaluated: 2022-07-27. Review status: criteria provided, single submitter. Criteria: Invitae Variant Classification Sherloc (09022015). Collection method: clinical testing. Allele origin: unknown.
Comment: For these reasons, this variant has been classified as Pathogenic. This variant disrupts a region of the ZNF469 protein in which other variant(s) (p.Arg3414Glyfs*59) have been determined to be pathogenic (PMID: 32671420). This suggests that this is a clinically significant region of the protein, and that variants that disrupt it are likely to be disease-causing. A similar copy number variant has been observed in individual(s) with clinical features of brittle cornea syndrome (Invitae). This variant results in the deletion of part of exon 2 (c.6120_*14498del) of the ZNF469 gene. While this deletion is not anticipated to lead to nonsense mediated decay, it is expected to alter mRNA translation or result in a truncated protein product.

Literature cited by the submitters: PubMed 32671420.

NC_000016.9:g.(?_88500082)_(88520238_?)del

Genes: ZFPM1 (zinc finger protein, FOG family member 1; plus strand), ZNF469 (zinc finger protein 469; plus strand). Cytogenetic location: 16q24.2.
Variant type: Deletion.
Identifiers: ClinVar variation 3243614 (VCV003243614.1).